The following is an entry in ClinVar:

ClinVar aggregate classification (germline): Benign/Likely benign. Review status: criteria provided, multiple submitters, no conflicts (2 of 4 stars). 3 submissions from 3 submitters: Benign (2); Likely benign (1). Last evaluated 2021-05-15.

Conditions:
Kindler syndrome (KNDLRS). Also called: BULLOUS ACROKERATOTIC POIKILODERMA OF KINDLER AND WEARY; POIKILODERMA, CONGENITAL, WITH BULLAE, WEARY TYPE; POIKILODERMA, HEREDITARY ACROKERATOTIC; Hereditary acrokeratotic poikiloderma of Weary; Poikiloderma of Kindler; Congenital bullous poikiloderma. Identifiers: Orphanet 2908, Orphanet 306539, MedGen C0406557, MONDO:0008260, OMIM 173650.

Allele frequency attached by ClinVar (database versions not stated): 1000 Genomes Project 30x 0.02233; 1000 Genomes Project 0.02296; TOPMed 0.02664; gnomAD 0.02771 and 0.02866; gnomAD exomes 0.03734.
gnomAD v4.1: 21,902 of 621,818 alleles (3.5%); highest among the groups gnomAD compares: South Asian, 6.2%; 511 homozygotes.

Submissions (3):

GeneDx
Classification: Likely benign. Last evaluated: 2021-05-15. Review status: criteria provided, single submitter. Criteria: GeneDx Variant Classification Process June 2021. Collection method: clinical testing. Allele origin: germline. Affected: yes.
Comment: See Variant Classification Assertion Criteria.

Illumina Laboratory Services, Illumina
Classification: Benign for Kindler syndrome. Last evaluated: 2018-01-12. Review status: criteria provided, single submitter. Criteria: ICSL Variant Classification Criteria 13 December 2019. Collection method: clinical testing. Allele origin: germline.
Comment: This variant was observed in the ICSL laboratory as part of a predisposition screen in an ostensibly healthy population. It had not been previously curated by ICSL or reported in the Human Gene Mutation Database (HGMD: prior to June 1st, 2018), and was therefore a candidate for classification through an automated scoring system. Utilizing variant allele frequency, disease prevalence and penetrance estimates, and inheritance mode, an automated score was calculated to assess if this variant is too frequent to cause the disease. Based on the score and internal cut-off values, a variant classified as benign is not then subjected to further curation. The score for this variant resulted in a classification of benign for this disease.

Breakthrough Genomics
Classification: Benign. Review status: criteria provided, single submitter. Criteria: ACMG Guidelines, 2015. Collection method: not provided. Allele origin: germline. Inheritance: Autosomal recessive inheritance. Affected: yes.

NM_017671.5(FERMT1):c.*193C>T

Gene: FERMT1 (FERM domain containing kindlin 1; minus strand). Cytogenetic location: 20p12.3.
Variant type: single nucleotide variant.
Coding change: c.*193C>T on transcript NM_017671.5 (MANE Select); 193 bases downstream of the stop codon, C replaced by T.
Molecular consequence: 3 prime UTR variant.
Genome position (GRCh38, 1-based): chr20:6,076,980, G>A on the plus strand (C>T on the coding strand, the complement: FERMT1 is on the minus strand). VCF-style: chr20-6076980-G-A. GRCh37 (hg19) VCF-style: chr20-6057627-G-A.
Identifiers: ClinVar variation 339202 (VCV000339202.7), dbSNP rs16991740, ClinGen allele CA10644310.